The following is an entry in ClinVar:

NM_020821.3(VPS13C):c.8253C>T (p.Val2751=)

Gene: VPS13C (vacuolar protein sorting 13 homolog C; minus strand). Cytogenetic location: 15q22.2.
Variant type: single nucleotide variant.
Coding change: c.8253C>T on transcript NM_020821.3 (MANE Select); coding-DNA position 8253, C replaced by T.
Protein change: p.Val2751=; no amino-acid change (valine 2751 retained).
Molecular consequence: synonymous variant.
Genome position (GRCh38, 1-based): chr15:61,915,825, G>A on the plus strand (C>T on the coding strand, the complement: VPS13C is on the minus strand). VCF-style: chr15-61915825-G-A. GRCh37 (hg19) VCF-style: chr15-62208024-G-A.
Other names: c.8253C>T, p.Val2751= (NM_001018088.3); c.8124C>T, p.Val2708= (NM_017684.5, NM_018080.4).
Identifiers: ClinVar variation 4821682 (VCV004821682.4).

ClinVar aggregate classification (germline): Likely benign (1 of 4 stars; one submission).

gnomAD v4.1: 16 of 1,613,892 alleles (0.00099%); highest among the groups gnomAD compares: African/African-American, 0.0053%; no homozygotes.

Submission:

CeGaT Center for Human Genetics Tuebingen
Classification: Likely benign. Last evaluated: 2026-02-01. Review status: criteria provided, single submitter. Criteria: CeGaT Center For Human Genetics Tuebingen Variant Classification Criteria Version 2. Collection method: clinical testing. Allele origin: germline. Affected: yes. Observed: 1 variant allele.
Comment: VPS13C: BP4, BP7